The following is an entry in ClinVar:

NM_001018115.3(FANCD2):c.3049T>G (p.Phe1017Val)

Gene: FANCD2 (FA complementation group D2; plus strand). Cytogenetic location: 3p25.3.
Variant type: single nucleotide variant.
Coding change: c.3049T>G on transcript NM_001018115.3 (MANE Select); coding-DNA position 3049, T replaced by G.
Protein change: p.Phe1017Val; replaces phenylalanine 1017 with valine.
Molecular consequence: missense variant.
Genome position (GRCh38, 1-based): chr3:10,081,172, T>G. VCF-style: chr3-10081172-T-G. GRCh37 (hg19) VCF-style: chr3-10122856-T-G.
Other names: c.3049T>G, p.Phe1017Val (NM_001319984.2, NM_001374254.1, NM_033084.6); c.2938T>G, p.Phe980Val (NM_001374253.1); short protein forms F980V, F1017V.
Identifiers: ClinVar variation 2785225 (VCV002785225.3), dbSNP rs2470014850, ClinGen allele CA351747514.

ClinVar aggregate classification (germline): Uncertain significance (1 of 4 stars; one submission).

Conditions:
Fanconi anemia (FA). Also called: Fanconi's anemia. Identifiers: Orphanet 84, MedGen C0015625, MeSH D005199, MONDO:0019391.

Allele frequency attached by ClinVar (database versions not stated): gnomAD exomes below 0.00001.
gnomAD v4.1: 5 of 1,614,228 alleles (0.00031%); highest among the groups gnomAD compares: Non-Finnish European, 0.00042%; no homozygotes.

Submission:

Labcorp Genetics (formerly Invitae), Labcorp
Classification: Uncertain significance for Fanconi anemia. Last evaluated: 2023-03-18. Review status: criteria provided, single submitter. Criteria: Invitae Variant Classification Sherloc (09022015). Collection method: clinical testing. Allele origin: germline.
Comment: In summary, the available evidence is currently insufficient to determine the role of this variant in disease. Therefore, it has been classified as a Variant of Uncertain Significance. Advanced modeling of protein sequence and biophysical properties (such as structural, functional, and spatial information, amino acid conservation, physicochemical variation, residue mobility, and thermodynamic stability) performed at Invitae indicates that this missense variant is not expected to disrupt FANCD2 protein function. This variant has not been reported in the literature in individuals affected with FANCD2-related conditions. This variant is not present in population databases (gnomAD no frequency). This sequence change replaces phenylalanine, which is neutral and non-polar, with valine, which is neutral and non-polar, at codon 1017 of the FANCD2 protein (p.Phe1017Val).